The following is an entry in ClinVar:

ClinVar aggregate classification (germline): Uncertain significance (1 of 4 stars; one submission).

Submission:

Athena Diagnostics
Classification: Uncertain significance. Last evaluated: 2024-10-02. Review status: criteria provided, single submitter. Criteria: Athena Diagnostics Criteria. Collection method: clinical testing. Allele origin: unknown.
Comment: Available data are insufficient to determine the clinical significance of the variant at this time. This variant has not been reported in large, multi-ethnic general populations. Polyphen and MutationTaster predict this amino acid change may be damaging to the protein.

NM_004408.4(DNM1):c.909G>T (p.Gln303His)

Gene: DNM1 (dynamin 1; plus strand). Cytogenetic location: 9q34.11.
Variant type: single nucleotide variant.
Coding change: c.909G>T on transcript NM_004408.4 (MANE Select); coding-DNA position 909, G replaced by T.
Protein change: p.Gln303His; replaces glutamine 303 with histidine.
Molecular consequence: missense variant.
Genome position (GRCh38, 1-based): chr9:128,222,256, G>T. VCF-style: chr9-128222256-G-T. GRCh37 (hg19) VCF-style: chr9-130984535-G-T.
Other names: c.909G>T, p.Gln303His (NM_001005336.3, NM_001288737.2, NM_001288738.2 and 2 more transcripts); short protein forms Q303H.
Identifiers: ClinVar variation 3571719 (VCV003571719.1).
Genomic context (GRCh38, chr9:128,222,256, plus strand): 5'-GCAACTGACGAACCACATCCGGGACACACTGCCGGGGCTGCGGAACAAGCTGCAGAGCCA[G>T]CTACTGTCCATTGAGAAGGAGGTGGAGGAATACAAGAACTTCCGCCCTGATGACCCAGCT-3'
Protein context (NP_004399.2, residues 293-313): LPGLRNKLQS[Gln303His]LLSIEKEVEE